The following is an entry in ClinVar:

ClinVar aggregate classification (germline): Uncertain significance (1 of 4 stars; one submission).

Conditions:
Candidiasis, familial, 9 (CANDF9). Identifiers: Orphanet 1334, MedGen C4225324, MONDO:0014642, OMIM 616445.

Submission:

Labcorp Genetics (formerly Invitae), Labcorp
Classification: Uncertain significance for Candidiasis, familial, 9. Last evaluated: 2024-06-09. Review status: criteria provided, single submitter. Criteria: Invitae Variant Classification Sherloc (09022015). Collection method: clinical testing. Allele origin: germline.
Comment: This sequence change creates a premature translational stop signal (p.Gly85Glufs*59) in the IL17RC gene. It is expected to result in an absent or disrupted protein product. However, the current clinical and genetic evidence is not sufficient to establish whether loss-of-function variants in IL17RC cause disease. This variant is not present in population databases (gnomAD no frequency). This variant has not been reported in the literature in individuals affected with IL17RC-related conditions. In summary, the available evidence is currently insufficient to determine the role of this variant in disease. Therefore, it has been classified as a Variant of Uncertain Significance.

NM_153460.4(IL17RC):c.106-144del

Gene: IL17RC (interleukin 17 receptor C; plus strand). Cytogenetic location: 3p25.3.
Variant type: Deletion.
Coding change: c.106-144del on transcript NM_153460.4 (MANE Select); 144 bases into the intron before coding-DNA position 106, one base deleted (G; older notation c.106-144delG).
Molecular consequence: intron variant. On other transcripts: frameshift variant (1).
Genome position (GRCh38, 1-based): chr3:9,917,569, G deleted; the last of 4 consecutive G bases (chr3:9,917,566-9,917,569); deleting any one gives the same sequence. VCF-style (leftmost placement, unchanged base first): chr3-9917565-CG-C. GRCh37 (hg19) VCF-style: chr3-9959249-CG-C.
Other names: c.254del, p.Gly85fs (NM_153461.4); c.106-144del (NM_001203263.2, NM_001203264.2, NM_001367278.1 and 5 more transcripts); short protein forms G85fs.
Identifiers: ClinVar variation 3621685 (VCV003621685.2).